The following is an entry in ClinVar:

NM_002506.3(NGF):c.185G>A (p.Arg62His)

Genes: NGF (nerve growth factor; minus strand), NGF-AS1 (NGF antisense RNA 1; plus strand). Cytogenetic location: 1p13.2.
Variant type: single nucleotide variant.
Coding change: c.185G>A on transcript NM_002506.3 (MANE Select); coding-DNA position 185, G replaced by A.
Protein change: p.Arg62His; replaces arginine 62 with histidine.
Molecular consequence: missense variant.
Genome position (GRCh38, 1-based): chr1:115,286,611, C>T on the plus strand (G>A on the coding strand, the complement: NGF is on the minus strand). VCF-style: chr1-115286611-C-T. GRCh37 (hg19) VCF-style: chr1-115829232-C-T.
Other names: short protein forms R62H.
Identifiers: ClinVar variation 662388 (VCV000662388.45), dbSNP rs369266810, ClinGen allele CA1023041.

ClinVar aggregate classification (germline): Uncertain significance. Review status: criteria provided, multiple submitters, no conflicts (2 of 4 stars). 5 submissions from 5 submitters: Uncertain significance (5). Last evaluated 2026-05-19.

Conditions:
NGF-related disorder. Also called: NGF-related condition.
Congenital sensory neuropathy with selective loss of small myelinated fibers (HSAN5). Also called: HSAN Type V. Identifiers: Orphanet 64752, MedGen C0020075, MONDO:0012092, OMIM 608654.
Inborn genetic diseases. Identifiers: MedGen C0950123, MeSH D030342.

Allele frequency attached by ClinVar (database versions not stated): gnomAD 0.00001 and 0.00006; TOPMed 0.00006; ESP Exome Variant Server 0.00008; ExAC 0.00017; gnomAD exomes 0.00018; 1000 Genomes Project 0.00020; 1000 Genomes Project 30x 0.00031.

Submissions (5):

PreventionGenetics, part of Exact Sciences
Classification: Uncertain significance for NGF-related condition. Last evaluated: 2026-05-19. Review status: criteria provided, single submitter. Criteria: ACMG Guidelines, 2015. Collection method: clinical testing. Allele origin: germline.
Comment: The NGF c.185G>A variant is predicted to result in the amino acid substitution p.Arg62His. To our knowledge, this variant has not been reported in the literature. This variant is reported in 0.088% of alleles in individuals of South Asian descent in gnomAD. Although we suspect that this variant may be benign, at this time, the clinical significance of this variant is uncertain due to the absence of conclusive functional and genetic evidence.

Labcorp Genetics (formerly Invitae), Labcorp
Classification: Uncertain significance for Congenital sensory neuropathy with selective loss of small myelinated fibers. Last evaluated: 2025-10-02. Review status: criteria provided, single submitter. Criteria: Invitae Variant Classification Sherloc (09022015). Collection method: clinical testing. Allele origin: germline.
Comment: This sequence change replaces arginine, which is basic and polar, with histidine, which is basic and polar, at codon 62 of the NGF protein (p.Arg62His). This variant is present in population databases (rs369266810, gnomAD 0.08%). This variant has not been reported in the literature in individuals affected with NGF-related conditions. ClinVar contains an entry for this variant (Variation ID: 662388). Invitae Evidence Modeling of protein sequence and biophysical properties (such as structural, functional, and spatial information, amino acid conservation, physicochemical variation, residue mobility, and thermodynamic stability) indicates that this missense variant is not expected to disrupt NGF protein function with a negative predictive value of 80%. In summary, the available evidence is currently insufficient to determine the role of this variant in disease. Therefore, it has been classified as a Variant of Uncertain Significance.

Genome-Nilou Lab
Classification: Uncertain significance for Congenital sensory neuropathy with selective loss of small myelinated fibers. Last evaluated: 2023-04-11. Review status: criteria provided, single submitter. Criteria: ACMG Guidelines, 2015. Collection method: clinical testing. Allele origin: germline. Affected: no.

CeGaT Center for Human Genetics Tuebingen
Classification: Uncertain significance. Last evaluated: 2022-02-01. Review status: criteria provided, single submitter. Criteria: CeGaT Center For Human Genetics Tuebingen Variant Classification Criteria Version 2. Collection method: clinical testing. Allele origin: germline. Affected: yes. Observed: 1 variant allele.

Ambry Genetics
Classification: Uncertain significance for Inborn genetic diseases. Last evaluated: 2020-03-20. Review status: criteria provided, single submitter. Criteria: Ambry Variant Classification Scheme 2023. Collection method: clinical testing. Allele origin: germline.
Comment: The p.R62H variant (also known as c.185G>A), located in coding exon 1 of the NGF gene, results from a G to A substitution at nucleotide position 185. The arginine at codon 62 is replaced by histidine, an amino acid with highly similar properties. This amino acid position is well conserved in available vertebrate species. In addition, this alteration is predicted to be tolerated by in silico analysis. Since supporting evidence is limited at this time, the clinical significance of this alteration remains unclear.